The following is an entry in ClinVar:

NM_014014.5(SNRNP200):c.4585-9G>C

Gene: SNRNP200 (small nuclear ribonucleoprotein U5 subunit 200; minus strand). Cytogenetic location: 2q11.2.
Variant type: single nucleotide variant.
Coding change: c.4585-9G>C on transcript NM_014014.5 (MANE Select); 9 bases into the intron before coding-DNA position 4585, G replaced by C.
Molecular consequence: intron variant.
Genome position (GRCh38, 1-based): chr2:96,283,722, C>G on the plus strand (G>C on the coding strand, the complement: SNRNP200 is on the minus strand). VCF-style: chr2-96283722-C-G. GRCh37 (hg19) VCF-style: chr2-96949460-C-G.
Other names: c.4585-9G>C (NM_014014.4).
Identifiers: ClinVar variation 1125035 (VCV001125035.11), dbSNP rs753090914, ClinGen allele CA1778172.

ClinVar aggregate classification (germline): Likely benign. Review status: criteria provided, multiple submitters, no conflicts (2 of 4 stars). 3 submissions from 3 submitters: Likely benign (3). Last evaluated 2026-03-05.

Conditions:
SNRNP200-related disorder. Also called: SNRNP200-related condition.

Allele frequency attached by ClinVar (database versions not stated): gnomAD 0.00001; TOPMed 0.00006.
gnomAD v4.1: 19 of 1,613,858 alleles (0.0012%); highest among the groups gnomAD compares: Admixed American, 0.027%; no homozygotes.

Submissions (3):

PreventionGenetics, part of Exact Sciences
Classification: Likely benign for SNRNP200-related condition. Last evaluated: 2026-03-05. Review status: criteria provided, single submitter. Criteria: ACMG Guidelines, 2015. Collection method: clinical testing. Allele origin: germline.
Comment: This variant is classified as likely benign based on ACMG/AMP sequence variant interpretation guidelines (Richards et al. 2015 PMID: 25741868, with internal and published modifications).

Labcorp Genetics (formerly Invitae), Labcorp
Classification: Likely benign. Last evaluated: 2024-10-31. Review status: criteria provided, single submitter. Criteria: Invitae Variant Classification Sherloc (09022015). Collection method: clinical testing. Allele origin: germline.

Blueprint Genetics
Classification: Likely benign. Last evaluated: 2020-08-20. Review status: criteria provided, single submitter. Criteria: ACMG Guidelines, 2015. Collection method: clinical testing. Allele origin: germline.